The following is an entry in ClinVar:

ClinVar aggregate classification (germline): Uncertain significance (1 of 4 stars; one submission).

Allele frequency attached by ClinVar (database versions not stated): TOPMed below 0.00001.

Submission:

Ambry Genetics
Classification: Uncertain significance. Last evaluated: 2022-03-20. Review status: criteria provided, single submitter. Criteria: Ambry Variant Classification Scheme 2023. Collection method: clinical testing. Allele origin: germline.
Comment: The p.Q9H variant (also known as c.27G>C), located in coding exon 2 of the RAD54L gene, results from a G to C substitution at nucleotide position 27. The glutamine at codon 9 is replaced by histidine, an amino acid with highly similar properties. This amino acid position is conserved. In addition, the in silico prediction for this alteration is inconclusive. Since supporting evidence is limited at this time, the clinical significance of this alteration remains unclear.

NM_003579.4(RAD54L):c.27G>C (p.Gln9His)

Gene: RAD54L (RAD54 like; plus strand). Cytogenetic location: 1p34.1.
Variant type: single nucleotide variant.
Coding change: c.27G>C on transcript NM_003579.4 (MANE Select); coding-DNA position 27, G replaced by C.
Protein change: p.Gln9His; replaces glutamine 9 with histidine.
Molecular consequence: missense variant. On other transcripts: 5 prime UTR variant (1).
Genome position (GRCh38, 1-based): chr1:46,248,535, G>C. VCF-style: chr1-46248535-G-C. GRCh37 (hg19) VCF-style: chr1-46714207-G-C.
Other names: c.27G>C, p.Gln9His (NM_001142548.2); c.-514G>C (NM_001370766.1); short protein forms Q9H.
Identifiers: ClinVar variation 1796195 (VCV001796195.2), dbSNP rs1659712684, ClinGen allele CA340173998.